The following is an entry in ClinVar:

NM_001005242.3(PKP2):c.1465A>G (p.Ile489Val)

Gene: PKP2 (plakophilin 2; minus strand). Cytogenetic location: 12p11.21.
Variant type: single nucleotide variant.
Coding change: c.1465A>G on transcript NM_001005242.3 (MANE Select); coding-DNA position 1465, A replaced by G.
Protein change: p.Ile489Val; replaces isoleucine 489 with valine.
Molecular consequence: missense variant.
Genome position (GRCh38, 1-based): chr12:32,841,119, T>C on the plus strand (A>G on the coding strand, the complement: PKP2 is on the minus strand). VCF-style: chr12-32841119-T-C. GRCh37 (hg19) VCF-style: chr12-32994053-T-C.
Other names: c.1597A>G, p.Ile533Val (NM_004572.4); short protein forms I533V, I489V.
Identifiers: ClinVar variation 971438 (VCV000971438.7), dbSNP rs1956587369, ClinGen allele CA384367750.
Genomic context (GRCh38, chr12:32,841,119, plus strand): 5'-CAAAATCGAGCAAACCATTTGCTTTTGGGTAGTCTCCTTCAGGCCACCCAGAAAAGGGGA[T>C]GATGATATTCTCCGTCAGCGTAAGCAATGCTTCTGTTATCATGAGATTCTTGAGTTTGTC-3'
Protein context (NP_001005242.2, residues 479-499): ALLTLTENII[Ile489Val]PFSGWPEGDY

ClinVar aggregate classification (germline): Uncertain significance (1 of 4 stars; one submission).

Conditions:
Arrhythmogenic right ventricular dysplasia 9 (ARVD9). Also called: Arrhythmogenic Right Ventricular Dysplasia/Cardiomyopathy 9; ARRHYTHMOGENIC RIGHT VENTRICULAR DYSPLASIA, FAMILIAL, 9. Identifiers: MedGen C1836906, MONDO:0012180, OMIM 609040.

Submission:

Labcorp Genetics (formerly Invitae), Labcorp
Classification: Uncertain significance for Arrhythmogenic right ventricular dysplasia 9. Last evaluated: 2021-11-03. Review status: criteria provided, single submitter. Criteria: Invitae Variant Classification Sherloc (09022015). Collection method: clinical testing. Allele origin: germline.
Comment: In summary, the available evidence is currently insufficient to determine the role of this variant in disease. Therefore, it has been classified as a Variant of Uncertain Significance. Algorithms developed to predict the effect of missense changes on protein structure and function (SIFT, PolyPhen-2, Align-GVGD) all suggest that this variant is likely to be tolerated. ClinVar contains an entry for this variant (Variation ID: 971438). This variant has not been reported in the literature in individuals affected with PKP2-related conditions. This variant is not present in population databases (gnomAD no frequency). This sequence change replaces isoleucine, which is neutral and non-polar, with valine, which is neutral and non-polar, at codon 533 of the PKP2 protein (p.Ile533Val).